The following is an entry in ClinVar:

NM_002485.5(NBN):c.1913C>A (p.Ser638Tyr)

Genes: NBN (nibrin; minus strand), LOC126860438 (MED14-independent group 3 enhancer GRCh37_chr8:90959982-90961181; plus strand). Cytogenetic location: 8q21.3.
Variant type: single nucleotide variant.
Coding change: c.1913C>A on transcript NM_002485.5 (MANE Select); coding-DNA position 1913, C replaced by A.
Protein change: p.Ser638Tyr; replaces serine 638 with tyrosine.
Molecular consequence: missense variant.
Genome position (GRCh38, 1-based): chr8:89,947,825, G>T on the plus strand (C>A on the coding strand, the complement: NBN is on the minus strand). VCF-style: chr8-89947825-G-T. GRCh37 (hg19) VCF-style: chr8-90960053-G-T.
Other names: c.1667C>A, p.Ser556Tyr (NM_001024688.3); short protein forms S638Y, S556Y.
Identifiers: ClinVar variation 185635 (VCV000185635.30), dbSNP rs756036331, ClinGen allele CA192486.

ClinVar aggregate classification (germline): Uncertain significance. Review status: criteria provided, multiple submitters, no conflicts (2 of 4 stars). 9 submissions from 9 submitters: Uncertain significance (8). 1 of the submissions does not count toward it. Last evaluated 2025-11-25.

Conditions:
Hereditary cancer-predisposing syndrome. Also called: Hereditary Cancer Syndrome; Neoplastic Syndromes, Hereditary; Tumor predisposition; Hereditary neoplastic syndrome. Identifiers: Orphanet 140162, MedGen C0027672, MeSH D009386, MONDO:0015356.
Microcephaly, normal intelligence and immunodeficiency (NBS). Also called: IMMUNODEFICIENCY, MICROCEPHALY, AND CHROMOSOMAL INSTABILITY; SEEMANOVA SYNDROME II; Immunodeficiency, microcephaly with normal intelligence; Ataxia telangiectasia variant V1; Nijmegen breakage syndrome; Microcephaly with normal intelligence immunodeficiency and lymphoreticular malignancies. Identifiers: Orphanet 647, MedGen C0398791, MONDO:0009623, OMIM 251260.
Aplastic anemia. Identifiers: Orphanet 182040, Orphanet 88, MedGen C0002874, MONDO:0015909, OMIM 609135, HP:0001915.

Allele frequency attached by ClinVar (database versions not stated): gnomAD exomes below 0.00001; ExAC 0.00004.
gnomAD v4.1: 4 of 1,554,862 alleles (0.00026%); highest among the groups gnomAD compares: East Asian, 0.0023%; no homozygotes.

Submissions (9):

Labcorp Genetics (formerly Invitae), Labcorp
Classification: Uncertain significance for Microcephaly, normal intelligence and immunodeficiency. Last evaluated: 2025-11-25. Review status: criteria provided, single submitter. Criteria: Invitae Variant Classification Sherloc (09022015). Collection method: clinical testing. Allele origin: germline.
Comment: This sequence change replaces serine, which is neutral and polar, with tyrosine, which is neutral and polar, at codon 638 of the NBN protein (p.Ser638Tyr). The frequency data for this variant in the population databases is considered unreliable, as metrics indicate poor data quality at this position in the gnomAD database. This variant has not been reported in the literature in individuals affected with NBN-related conditions. ClinVar contains an entry for this variant (Variation ID: 185635). An algorithm developed to predict the effect of missense changes on protein structure and function (PolyPhen-2) suggests that this variant is likely to be tolerated. In summary, the available evidence is currently insufficient to determine the role of this variant in disease. Therefore, it has been classified as a Variant of Uncertain Significance.

Ambry Genetics
Classification: Uncertain significance for Hereditary cancer-predisposing syndrome. Last evaluated: 2024-08-10. Review status: criteria provided, single submitter. Criteria: Ambry Variant Classification Scheme 2023. Collection method: clinical testing. Allele origin: germline.
Comment: The p.S638Y variant (also known as c.1913C>A), located in coding exon 12 of the NBN gene, results from a C to A substitution at nucleotide position 1913. The serine at codon 638 is replaced by tyrosine, an amino acid with dissimilar properties. This alteration was identified in 1/1358 non-cancer control individuals and in 0/57 cases, in a study looking at cancer predisposition mutations in patients with cutaneous melanoma and a history of at least two additional non-cutaneous melanoma primary cancers (Pritchard AL et al. PLoS One, 2018 Apr;13:e0194098). This amino acid position is not well conserved in available vertebrate species. In addition, this alteration is predicted to be tolerated by in silico analysis. Since supporting evidence is limited at this time, the clinical significance of this alteration remains unclear.

Baylor Genetics
Classification: Uncertain significance for Aplastic anemia. Last evaluated: 2023-07-28. Review status: criteria provided, single submitter. Criteria: ACMG Guidelines, 2015. Collection method: clinical testing. Allele origin: unknown.

Women's Health and Genetics/Laboratory Corporation of America, LabCorp
Classification: Uncertain significance. Last evaluated: 2023-06-10. Review status: criteria provided, single submitter. Criteria: LabCorp Variant Classification Summary - May 2015. Collection method: clinical testing. Allele origin: germline.

Genome-Nilou Lab
Classification: Uncertain significance for Microcephaly, normal intelligence and immunodeficiency. Last evaluated: 2021-11-07. Review status: criteria provided, single submitter. Criteria: ACMG Guidelines, 2015. Collection method: clinical testing. Allele origin: germline. Affected: no.

Quest Diagnostics Nichols Institute San Juan Capistrano
Classification: Uncertain significance. Last evaluated: 2021-08-26. Review status: criteria provided, single submitter. Criteria: Quest Diagnostics criteria. Collection method: clinical testing. Allele origin: unknown.

Color Diagnostics, LLC DBA Color Health
Classification: Uncertain significance for Hereditary cancer-predisposing syndrome. Last evaluated: 2020-03-06. Review status: criteria provided, single submitter. Criteria: ACMG Guidelines, 2015. Collection method: clinical testing. Allele origin: germline.
Comment: This missense variant replaces serine with tyrosine at codon 638 of the NBN protein. Computational prediction suggests that this variant may not impact protein structure and function (internally defined REVEL score threshold <= 0.5, PMID: 27666373). Splice site prediction tools suggest that this variant may not impact RNA splicing. To our knowledge, functional studies have not been reported for this variant. This variant has not been reported in individuals affected with hereditary cancer in the literature. This variant has not been identified in the general population by the Genome Aggregation Database (gnomAD). The available evidence is insufficient to determine the role of this variant in disease conclusively. Therefore, this variant is classified as a Variant of Uncertain Significance.

GeneDx
Classification: Uncertain significance. Last evaluated: 2019-06-14. Review status: criteria provided, single submitter. Criteria: GeneDx Variant Classification Process June 2021. Collection method: clinical testing. Allele origin: germline. Affected: yes.
Comment: Not observed in large population cohorts (Lek et al., 2016); Has not been previously published as pathogenic or benign to our knowledge; In-silico analysis, which includes splice predictors and evolutionary conservation, is inconclusive as to whether the variant alters gene splicing. In the absence of RNA/functional studies, the actual effect of this sequence change is unknown.

Natera, Inc.
Classification: Uncertain significance for Nijmegen breakage syndrome. Last evaluated: 2021-06-26. Review status: no assertion criteria provided. Collection method: clinical testing. Allele origin: germline. Not counted in ClinVar's aggregate classification.

Literature cited by the submitters: PubMed 29641532 (cited by Ambry Genetics).